The following is an entry in ClinVar:

NM_000263.4(NAGLU):c.252_265del (p.Ala86fs)

Genes: NAGLU (N-acetyl-alpha-glucosaminidase; plus strand), LOC130060903 (ATAC-STARR-seq lymphoblastoid silent region 8533; plus strand). Cytogenetic location: 17q21.2.
Variant type: Deletion.
Coding change: c.252_265del on transcript NM_000263.4 (MANE Select); coding-DNA positions 252 to 265, 14 bases deleted (GGCCGCCGCGGGGC).
Protein change: p.Ala86fs; shifts the reading frame from alanine 86.
Molecular consequence: frameshift variant.
Genome position (GRCh38, 1-based): chr17:42,536,524-42,536,537, GGCCGCCGCGGGGC deleted; deleting any 14 consecutive bases within chr17:42,536,521-42,536,537 gives the same sequence; the c. name uses the placement nearest the transcript's 3' end. VCF-style (leftmost placement, unchanged base first): chr17-42536520-TGGCGGCCGCCGCGG-T. GRCh37 (hg19) VCF-style: chr17-40688538-TGGCGGCCGCCGCGG-T.
Other names: short protein forms A86fs.
Identifiers: ClinVar variation 1454105 (VCV001454105.6), dbSNP rs2143076795, ClinGen allele CA2573154145.

ClinVar aggregate classification (germline): Pathogenic (1 of 4 stars; one submission).

Conditions:
Mucopolysaccharidosis, MPS-III-B (MPS3B). Also called: N-ACETYL-ALPHA-D-GLUCOSAMINIDASE DEFICIENCY; NAGLU DEFICIENCY; SANFILIPPO SYNDROME B; MPS III B; MPS IIIB (Sanfilippo Syndrome Type B); MUCOPOLYSACCHARIDOSIS, TYPE IIIB. Identifiers: Orphanet 79270, MedGen C0086648, MONDO:0009656, OMIM 252920.
Charcot-Marie-Tooth disease axonal type 2V. Also called: CHARCOT-MARIE-TOOTH NEUROPATHY, TYPE 2V; CHARCOT-MARIE-TOOTH DISEASE, AXONAL, AUTOSOMAL DOMINANT, TYPE 2V. Identifiers: Orphanet 447964, MedGen C5569050, MONDO:0014665, OMIM 616491.

Submission:

Labcorp Genetics (formerly Invitae), Labcorp
Classification: Pathogenic for Charcot-Marie-Tooth disease axonal type 2V; Mucopolysaccharidosis, MPS-III-B. Last evaluated: 2021-11-18. Review status: criteria provided, single submitter. Criteria: Invitae Variant Classification Sherloc (09022015). Collection method: clinical testing. Allele origin: germline.
Comment: For these reasons, this variant has been classified as Pathogenic. This variant has not been reported in the literature in individuals affected with NAGLU-related conditions. This variant is not present in population databases (gnomAD no frequency). This sequence change creates a premature translational stop signal (p.Ala86Profs*101) in the NAGLU gene. It is expected to result in an absent or disrupted protein product. Loss-of-function variants in NAGLU are known to be pathogenic (PMID: 9832037, 10094189, 16151907).

Literature cited by the submitters: PubMed 9832037; PubMed 10094189; PubMed 16151907.